The following is an entry in ClinVar:

NM_003200.5(TCF3):c.802C>T (p.Leu268=)

Gene: TCF3 (transcription factor 3; minus strand). Cytogenetic location: 19p13.3.
Variant type: single nucleotide variant.
Coding change: c.802C>T on transcript NM_003200.5 (MANE Select); coding-DNA position 802, C replaced by T.
Protein change: p.Leu268=; no amino-acid change (leucine 268 retained).
Molecular consequence: synonymous variant.
Genome position (GRCh38, 1-based): chr19:1,622,074, G>A on the plus strand (C>T on the coding strand, the complement: TCF3 is on the minus strand). VCF-style: chr19-1622074-G-A. GRCh37 (hg19) VCF-style: chr19-1622073-G-A.
Other names: c.802C>T, p.Leu268= (NM_001136139.4, NM_001351778.2, NM_001351779.2); c.802C>T (NM_003200.3).
Identifiers: ClinVar variation 2892434 (VCV002892434.4), dbSNP rs780098396, ClinGen allele CA9050230.

ClinVar aggregate classification (germline): Likely benign. Review status: criteria provided, single submitter (1 of 4 stars). 2 submissions from 2 submitters: Likely benign (1). 1 of the submissions does not count toward it. Last evaluated 2023-12-13.

Conditions:
TCF3-related disorder. Also called: TCF3-related condition.

Allele frequency attached by ClinVar (database versions not stated): ExAC 0.00001; gnomAD 0.00001; gnomAD exomes 0.00001; TOPMed 0.00002.
gnomAD v4.1: 14 of 1,606,618 alleles (0.00087%); highest among the groups gnomAD compares: Admixed American, 0.012%; no homozygotes.

Submissions (2):

Labcorp Genetics (formerly Invitae), Labcorp
Classification: Likely benign. Last evaluated: 2023-12-13. Review status: criteria provided, single submitter. Criteria: Invitae Variant Classification Sherloc (09022015). Collection method: clinical testing. Allele origin: germline.

PreventionGenetics, part of Exact Sciences
Classification: Likely benign for TCF3-related condition. Last evaluated: 2019-03-28. Review status: no assertion criteria provided. Collection method: clinical testing. Allele origin: germline. Not counted in ClinVar's aggregate classification.
Comment: This variant is classified as likely benign based on ACMG/AMP sequence variant interpretation guidelines (Richards et al. 2015 PMID: 25741868, with internal and published modifications).